The following is an entry in ClinVar:

NM_001377304.1(GFI1B):c.603C>A (p.Phe201Leu)

Gene: GFI1B (growth factor independent 1B transcriptional repressor; plus strand). Cytogenetic location: 9q34.13.
Variant type: single nucleotide variant.
Coding change: c.603C>A on transcript NM_001377304.1 (MANE Select); coding-DNA position 603, C replaced by A.
Protein change: p.Phe201Leu; replaces phenylalanine 201 with leucine.
Molecular consequence: missense variant. On other transcripts: intron variant (2).
Genome position (GRCh38, 1-based): chr9:132,989,153, C>A. VCF-style: chr9-132989153-C-A. GRCh37 (hg19) VCF-style: chr9-135864540-C-A.
Other names: p.Phe201Leu; c.603C>A, p.Phe201Leu (NM_001371908.1, NM_004188.8); c.511-589C>A (NM_001135031.2, NM_001377305.1); short protein forms F201L.
Identifiers: ClinVar variation 4541493 (VCV004541493.1).

ClinVar aggregate classification (germline): Uncertain significance (1 of 4 stars; one submission).

gnomAD v4.1: 18 of 1,613,892 alleles (0.0011%); highest among the groups gnomAD compares: Non-Finnish European, 0.0015%; no homozygotes.

Submission:

Mayo Clinic Laboratories, Mayo Clinic
Classification: Uncertain significance. Last evaluated: 2024-10-11. Review status: criteria provided, single submitter. Criteria: ACMG Guidelines, 2015. Collection method: clinical testing. Allele origin: germline. Observed: 1 variant allele.
Comment: PM2_supporting